The following is an entry in ClinVar:

NM_000388.4(CASR):c.1205G>A (p.Ser402Asn)

Gene: CASR (calcium sensing receptor; plus strand). Cytogenetic location: 3q21.1.
Variant type: single nucleotide variant.
Coding change: c.1205G>A on transcript NM_000388.4 (MANE Select); coding-DNA position 1205, G replaced by A.
Protein change: p.Ser402Asn; replaces serine 402 with asparagine.
Molecular consequence: missense variant.
Genome position (GRCh38, 1-based): chr3:122,262,240, G>A. VCF-style: chr3-122262240-G-A. GRCh37 (hg19) VCF-style: chr3-121981087-G-A.
Other names: c.1205G>A, p.Ser402Asn (NM_001178065.2); short protein forms S402N.
Identifiers: ClinVar variation 1043821 (VCV001043821.9), dbSNP rs2074636407, ClinGen allele CA354152815.

ClinVar aggregate classification (germline): Uncertain significance (1 of 4 stars; one submission).

Conditions:
Familial hypocalciuric hypercalcemia (FHH). Also called: Familial benign hypercalcemia. Identifiers: Orphanet 405, MedGen C1809471, MONDO:0018458.
Autosomal dominant hypocalcemia 1 (HYPOC1). Also called: HYPOCALCEMIA, FAMILIAL. Identifiers: MedGen C3715128, MONDO:0011013, OMIM 601198.

Allele frequency attached by ClinVar (database versions not stated): gnomAD exomes below 0.00001.
gnomAD v4.1: 1 of 1,614,152 alleles (0.000062%); highest among the groups gnomAD compares: Non-Finnish European, 0.000085%; no homozygotes.

Submission:

Labcorp Genetics (formerly Invitae), Labcorp
Classification: Uncertain significance for Familial hypocalciuric hypercalcemia; Autosomal dominant hypocalcemia 1. Last evaluated: 2022-03-05. Review status: criteria provided, single submitter. Criteria: Invitae Variant Classification Sherloc (09022015). Collection method: clinical testing. Allele origin: germline.
Comment: This sequence change replaces serine, which is neutral and polar, with asparagine, which is neutral and polar, at codon 402 of the CASR protein (p.Ser402Asn). This variant is not present in population databases (gnomAD no frequency). This variant has not been reported in the literature in individuals affected with CASR-related conditions. ClinVar contains an entry for this variant (Variation ID: 1043821). Algorithms developed to predict the effect of missense changes on protein structure and function output the following: SIFT: "Tolerated"; PolyPhen-2: "Benign"; Align-GVGD: "Class C0". The asparagine amino acid residue is found in multiple mammalian species, which suggests that this missense change does not adversely affect protein function. In summary, the available evidence is currently insufficient to determine the role of this variant in disease. Therefore, it has been classified as a Variant of Uncertain Significance.